The following is an entry in ClinVar:

ClinVar aggregate classification (germline): Uncertain significance (1 of 4 stars; one submission).

Conditions:
Hereditary sensory and autonomic neuropathy type 7. Also called: HSAN VII; Neuropathy, hereditary sensory and autonomic, type VII. Identifiers: Orphanet 391397, MedGen C3809882, MONDO:0014244, OMIM 615548.
Familial episodic pain syndrome with predominantly lower limb involvement. Also called: Episodic pain syndrome, familial, 3. Identifiers: Orphanet 391384, Orphanet 391392, MedGen C3809899, MONDO:0014247, OMIM 615552.

gnomAD v4.1: 2 of 1,611,872 alleles (0.00012%); highest among the groups gnomAD compares: Non-Finnish European, 0.00017%; no homozygotes.

Submission:

Labcorp Genetics (formerly Invitae), Labcorp
Classification: Uncertain significance for Familial episodic pain syndrome with predominantly lower limb involvement; Hereditary sensory and autonomic neuropathy type 7. Last evaluated: 2023-12-11. Review status: criteria provided, single submitter. Criteria: Invitae Variant Classification Sherloc (09022015). Collection method: clinical testing. Allele origin: germline.
Comment: This sequence change replaces proline, which is neutral and non-polar, with serine, which is neutral and polar, at codon 974 of the SCN11A protein (p.Pro974Ser). This variant is present in population databases (no rsID available, gnomAD 0.0009%). This variant has not been reported in the literature in individuals affected with SCN11A-related conditions. An algorithm developed to predict the effect of missense changes on protein structure and function (PolyPhen-2) suggests that this variant is likely to be tolerated. In summary, the available evidence is currently insufficient to determine the role of this variant in disease. Therefore, it has been classified as a Variant of Uncertain Significance.

NM_001349253.2(SCN11A):c.2920C>T (p.Pro974Ser)

Gene: SCN11A (sodium voltage-gated channel alpha subunit 11; minus strand). Cytogenetic location: 3p22.2.
Variant type: single nucleotide variant.
Coding change: c.2920C>T on transcript NM_001349253.2 (MANE Select); coding-DNA position 2920, C replaced by T.
Protein change: p.Pro974Ser; replaces proline 974 with serine.
Molecular consequence: missense variant.
Genome position (GRCh38, 1-based): chr3:38,886,154, G>A on the plus strand (C>T on the coding strand, the complement: SCN11A is on the minus strand). VCF-style: chr3-38886154-G-A. GRCh37 (hg19) VCF-style: chr3-38927645-G-A.
Other names: c.2920C>T, p.Pro974Ser (NM_014139.3); short protein forms P974S.
Identifiers: ClinVar variation 2930857 (VCV002930857.3), dbSNP rs1422920080, ClinGen allele CA352174071.